The following is an entry in ClinVar:

ClinVar aggregate classification (germline): Uncertain significance (1 of 4 stars; one submission).

Conditions:
Fanconi anemia (FA). Also called: Fanconi's anemia. Identifiers: Orphanet 84, MedGen C0015625, MeSH D005199, MONDO:0019391.

Submission:

Labcorp Genetics (formerly Invitae), Labcorp
Classification: Uncertain significance for Fanconi anemia. Last evaluated: 2024-04-22. Review status: criteria provided, single submitter. Criteria: Invitae Variant Classification Sherloc (09022015). Collection method: clinical testing. Allele origin: germline.
Comment: This sequence change replaces proline, which is neutral and non-polar, with leucine, which is neutral and non-polar, at codon 767 of the FANCD2 protein (p.Pro767Leu). This variant is not present in population databases (gnomAD no frequency). This variant has not been reported in the literature in individuals affected with FANCD2-related conditions. ClinVar contains an entry for this variant (Variation ID: 1045123). Advanced modeling of protein sequence and biophysical properties (such as structural, functional, and spatial information, amino acid conservation, physicochemical variation, residue mobility, and thermodynamic stability) performed at Invitae indicates that this missense variant is not expected to disrupt FANCD2 protein function with a negative predictive value of 80%. In summary, the available evidence is currently insufficient to determine the role of this variant in disease. Therefore, it has been classified as a Variant of Uncertain Significance.

NM_001018115.3(FANCD2):c.2300C>T (p.Pro767Leu)

Genes: FANCD2 (FA complementation group D2; plus strand), LOC107303338 (3p25 FANCD2 Alu-mediated recombination region; plus strand). Cytogenetic location: 3p25.3.
Variant type: single nucleotide variant.
Coding change: c.2300C>T on transcript NM_001018115.3 (MANE Select); coding-DNA position 2300, C replaced by T.
Protein change: p.Pro767Leu; replaces proline 767 with leucine.
Molecular consequence: missense variant.
Genome position (GRCh38, 1-based): chr3:10,065,894, C>T. VCF-style: chr3-10065894-C-T. GRCh37 (hg19) VCF-style: chr3-10107578-C-T.
Other names: c.2300C>T, p.Pro767Leu (NM_001319984.2, NM_001374254.1, NM_033084.6); c.2189C>T, p.Pro730Leu (NM_001374253.1); short protein forms P730L, P767L.
Identifiers: ClinVar variation 1045123 (VCV001045123.8), dbSNP rs2087705679, ClinGen allele CA351735496.